The following is an entry in ClinVar:

ClinVar aggregate classification (germline): Likely pathogenic (1 of 4 stars; one submission).

Conditions:
Niemann-Pick disease, type C1. Also called: NEUROVISCERAL STORAGE DISEASE WITH VERTICAL SUPRANUCLEAR OPHTHALMOPLEGIA; NIEMANN-PICK DISEASE WITH CHOLESTEROL ESTERIFICATION BLOCK; NIEMANN-PICK DISEASE WITHOUT SPHINGOMYELINASE DEFICIENCY; NIEMANN-PICK DISEASE, CHRONIC NEURONOPATHIC FORM; NIEMANN-PICK DISEASE, VARIANT TYPE C1. Identifiers: Orphanet 646, MedGen C3179455, MONDO:0009757, OMIM 257220.

Submission:

Myriad Genetics, Inc.
Classification: Likely pathogenic for Niemann-Pick disease, type C1. Last evaluated: 2022-03-08. Review status: criteria provided, single submitter. Criteria: Myriad Women's Health Autosomal Recessive and X-Linked Classification Criteria (2021). Collection method: clinical testing. Allele origin: unknown.
Comment: NM_000271.4(NPC1):c.2174delG(G725Afs*4) is expected to be pathogenic in the context of Niemann-Pick disease type C1. This variant is predicted to lead to an abnormal or absent protein product due to the creation of a premature termination codon in NPC1, a gene where loss-of-function variants are known to be pathogenic. Please note: this variant was assessed in the context of healthy population screening.

NM_000271.5(NPC1):c.2174del (p.Gly725fs)

Gene: NPC1 (NPC intracellular cholesterol transporter 1; minus strand). Cytogenetic location: 18q11.2.
Variant type: Deletion.
Coding change: c.2174del on transcript NM_000271.5 (MANE Select); coding-DNA position 2174, one base deleted (G; older notation c.2174delG).
Protein change: p.Gly725fs; shifts the reading frame from glycine 725.
Molecular consequence: frameshift variant.
Genome position (GRCh38, 1-based): chr18:23,543,526, C deleted on the plus strand (G on the coding strand, the reverse complement: NPC1 is on the minus strand); the first of 3 consecutive C bases (chr18:23,543,526-23,543,528); deleting any one gives the same sequence. VCF-style (leftmost placement, unchanged base first): chr18-23543525-GC-G. GRCh37 (hg19) VCF-style: chr18-21123489-GC-G.
Other names: short protein forms G725fs.
Identifiers: ClinVar variation 1725109 (VCV001725109.2), dbSNP rs2511230031, ClinGen allele CA2580095596.
Genomic context (GRCh38, chr18:23,543,525, plus strand): 5'-TGCTACAGTCTCAGAAAAGGATGACAGGAACATACTGGGAGCCACTTCTCCTAGGACCCT[GC>G]CCAGCTGCTGATCCAGGGTTTCCCCTTGAAGACGTTCATCTCTCTTAAAAAAAAAAAAAA-3'